The following is an entry in ClinVar:

NM_015404.4(WHRN):c.1024G>T (p.Ala342Ser)

Gene: WHRN (whirlin; minus strand). Cytogenetic location: 9q32.
Variant type: single nucleotide variant.
Coding change: c.1024G>T on transcript NM_015404.4 (MANE Select); coding-DNA position 1024, G replaced by T.
Protein change: p.Ala342Ser; replaces alanine 342 with serine.
Molecular consequence: missense variant. On other transcripts: 5 prime UTR variant (1).
Genome position (GRCh38, 1-based): chr9:114,426,353, C>A on the plus strand (G>T on the coding strand, the complement: WHRN is on the minus strand). VCF-style: chr9-114426353-C-A. GRCh37 (hg19) VCF-style: chr9-117188633-C-A.
Other names: c.-126G>T (NM_001083885.3); c.1024G>T, p.Ala342Ser (NM_001173425.2); short protein forms A342S.
Identifiers: ClinVar variation 1701576 (VCV001701576.36), dbSNP rs1269773796, ClinGen allele CA374611302.

ClinVar aggregate classification (germline): Uncertain significance. Review status: criteria provided, multiple submitters, no conflicts (2 of 4 stars). 2 submissions from 2 submitters: Uncertain significance (2). Last evaluated 2022-08-16.

gnomAD v4.1: 2 of 1,614,132 alleles (0.00012%); highest among the groups gnomAD compares: Admixed American, 0.0017%; no homozygotes.

Submissions (2):

Labcorp Genetics (formerly Invitae), Labcorp
Classification: Uncertain significance. Last evaluated: 2022-08-16. Review status: criteria provided, single submitter. Criteria: Invitae Variant Classification Sherloc (09022015). Collection method: clinical testing. Allele origin: germline.
Comment: In summary, the available evidence is currently insufficient to determine the role of this variant in disease. Therefore, it has been classified as a Variant of Uncertain Significance. Algorithms developed to predict the effect of missense changes on protein structure and function are either unavailable or do not agree on the potential impact of this missense change (SIFT: "Deleterious"; PolyPhen-2: "Probably Damaging"; Align-GVGD: "Class C15"). This variant has not been reported in the literature in individuals affected with WHRN-related conditions. This variant is not present in population databases (gnomAD no frequency). This sequence change replaces alanine, which is neutral and non-polar, with serine, which is neutral and polar, at codon 342 of the WHRN protein (p.Ala342Ser).

CeGaT Center for Human Genetics Tuebingen
Classification: Uncertain significance. Last evaluated: 2022-07-01. Review status: criteria provided, single submitter. Criteria: CeGaT Center For Human Genetics Tuebingen Variant Classification Criteria Version 2. Collection method: clinical testing. Allele origin: germline. Affected: yes. Observed: 1 variant allele.
Comment: WHRN: PM2